The following is an entry in ClinVar:

NM_004104.5(FASN):c.2963C>G (p.Ala988Gly)

Gene: FASN (fatty acid synthase; minus strand). Cytogenetic location: 17q25.3.
Variant type: single nucleotide variant.
Coding change: c.2963C>G on transcript NM_004104.5 (MANE Select); coding-DNA position 2963, C replaced by G.
Protein change: p.Ala988Gly; replaces alanine 988 with glycine.
Molecular consequence: missense variant.
Genome position (GRCh38, 1-based): chr17:82,087,765, G>C on the plus strand (C>G on the coding strand, the complement: FASN is on the minus strand). VCF-style: chr17-82087765-G-C. GRCh37 (hg19) VCF-style: chr17-80045641-G-C.
Other names: short protein forms A988G.
Identifiers: ClinVar variation 857674 (VCV000857674.10), dbSNP rs767896302, ClinGen allele CA8852566.

ClinVar aggregate classification (germline): Conflicting classifications of pathogenicity. Review status: criteria provided, conflicting classifications (1 of 4 stars). 2 submissions from 2 submitters: Uncertain significance (1); Likely benign (1). Last evaluated 2025-12-22.

Conditions:
Epileptic encephalopathy. Identifiers: MedGen C0543888, HP:0200134.

Allele frequency attached by ClinVar (database versions not stated): TOPMed 0.00001; ExAC 0.00002; gnomAD exomes 0.00002.
gnomAD v4.1: 9 of 1,612,606 alleles (0.00056%); highest among the groups gnomAD compares: Admixed American, 0.015%; no homozygotes.

Submissions (2):

Labcorp Genetics (formerly Invitae), Labcorp
Classification: Uncertain significance for Epileptic encephalopathy. Last evaluated: 2025-12-22. Review status: criteria provided, single submitter. Criteria: Invitae Variant Classification Sherloc (09022015). Collection method: clinical testing. Allele origin: germline.
Comment: This sequence change replaces alanine, which is neutral and non-polar, with glycine, which is neutral and non-polar, at codon 988 of the FASN protein (p.Ala988Gly). This variant is present in population databases (rs767896302, gnomAD 0.02%). This variant has not been reported in the literature in individuals affected with FASN-related conditions. ClinVar contains an entry for this variant (Variation ID: 857674). An algorithm developed to predict the effect of missense changes on protein structure and function outputs the following: PolyPhen-2: "Benign". The glycine amino acid residue is found in multiple mammalian species, which suggests that this missense change does not adversely affect protein function. In summary, the available evidence is currently insufficient to determine the role of this variant in disease. Therefore, it has been classified as a Variant of Uncertain Significance.

Ambry Genetics
Classification: Likely benign. Last evaluated: 2025-10-02. Review status: criteria provided, single submitter. Criteria: Ambry Variant Classification Scheme 2023. Collection method: clinical testing. Allele origin: germline.